The following is an entry in ClinVar:

ClinVar aggregate classification (germline): Conflicting classifications of pathogenicity. Review status: criteria provided, conflicting classifications (1 of 4 stars). 6 submissions from 6 submitters: Uncertain significance (5); Benign (1). Last evaluated 2025-11-24.

Conditions:
Cardiovascular phenotype. Identifiers: MedGen CN230736.
Myofibrillar myopathy 4. Also called: Zaspopathy (type). Identifiers: Orphanet 98912, MedGen C4721886, MONDO:0012277, OMIM 609452.

Allele frequency attached by ClinVar (database versions not stated): gnomAD exomes below 0.00001 and 0.00001; TOPMed below 0.00001; gnomAD 0.00001.
gnomAD v4.1: 5 of 1,613,018 alleles (0.00031%); highest among the groups gnomAD compares: Non-Finnish European, 0.00042%; no homozygotes.

Submissions (6):

GeneDx
Classification: Uncertain significance. Last evaluated: 2025-11-24. Review status: criteria provided, single submitter. Criteria: GeneDx Variant Classification Process June 2021. Collection method: clinical testing. Allele origin: germline. Affected: yes.
Comment: Not observed at significant frequency in large population cohorts (gnomAD); In silico analysis suggests that this missense variant does not alter protein structure/function; Has not been previously published as pathogenic or benign to our knowledge; Reported using an alternate transcript of the gene

Ambry Genetics
Classification: Uncertain significance for Cardiovascular phenotype. Last evaluated: 2025-06-09. Review status: criteria provided, single submitter. Criteria: Ambry Variant Classification Scheme 2023. Collection method: clinical testing. Allele origin: germline.

Labcorp Genetics (formerly Invitae), Labcorp
Classification: Uncertain significance for Myofibrillar myopathy 4. Last evaluated: 2025-04-13. Review status: criteria provided, single submitter. Criteria: Invitae Variant Classification Sherloc (09022015). Collection method: clinical testing. Allele origin: germline.
Comment: The LDB3 gene has multiple clinically relevant transcripts. This variant occurs in alternate transcript NM_007078.3, and corresponds to NM_001080116.1:c.321+1493A>G in the primary transcript. This sequence change replaces aspartic acid, which is acidic and polar, with glycine, which is neutral and non-polar, at codon 179 of the LDB3 protein (p.Asp179Gly). This variant is present in population databases (rs794729058, gnomAD 0.0009%). This variant has not been reported in the literature in individuals affected with LDB3-related conditions. ClinVar contains an entry for this variant (Variation ID: 201839). Experimental studies and prediction algorithms are not available or were not evaluated, and the functional significance of this variant is currently unknown. Algorithms developed to predict the effect of sequence changes on RNA splicing suggest that this variant is not likely to affect RNA splicing. In summary, the available evidence is currently insufficient to determine the role of this variant in disease. Therefore, it has been classified as a Variant of Uncertain Significance.

Women's Health and Genetics/Laboratory Corporation of America, LabCorp
Classification: Uncertain significance. Last evaluated: 2024-02-06. Review status: criteria provided, single submitter. Criteria: LabCorp Variant Classification Summary - May 2015. Collection method: clinical testing. Allele origin: germline.
Comment: Variant summary: LDB3 c.536A>G (p.Asp179Gly) results in a non-conservative amino acid change in the encoded protein sequence. Four of five in-silico tools predict a benign effect of the variant on protein function. The variant allele was found at a frequency of 4e-06 in 249124 control chromosomes. The available data on variant occurrences in the general population are insufficient to allow any conclusion about variant significance. To our knowledge, no occurrence of c.536A>G in individuals affected with Cardiomyopathy and no experimental evidence demonstrating its impact on protein function have been reported. ClinVar contains an entry for this variant (Variation ID: 201839). Based on the evidence outlined above, the variant was classified as uncertain significance.

Blueprint Genetics
Classification: Benign. Last evaluated: 2022-03-22. Review status: criteria provided, single submitter. Criteria: ACMG Guidelines, 2015. Collection method: clinical testing. Allele origin: germline.

Molecular Diagnostic Laboratory for Inherited Cardiovascular Disease, Montreal Heart Institute
Classification: Uncertain significance. Review status: criteria provided, single submitter. Criteria: ACMG Guidelines, 2015. Collection method: clinical testing. Allele origin: germline. Affected: yes.

NM_007078.3(LDB3):c.536A>G (p.Asp179Gly)

Gene: LDB3 (LIM domain binding 3; plus strand). Cytogenetic location: 10q23.2.
Variant type: single nucleotide variant.
Coding change: c.536A>G on transcript NM_007078.3 (MANE Select); coding-DNA position 536, A replaced by G.
Protein change: p.Asp179Gly; replaces aspartic acid 179 with glycine.
Molecular consequence: missense variant. On other transcripts: intron variant (5).
Genome position (GRCh38, 1-based): chr10:86,681,650, A>G. VCF-style: chr10-86681650-A-G. GRCh37 (hg19) VCF-style: chr10-88441407-A-G.
Other names: p.D179G:GAC>GGC; c.536A>G, p.Asp179Gly (NM_001080115.2, NM_001171610.2, NM_001171611.2 and 3 more transcripts); c.321+1493A>G (NM_001368068.1, NM_001368066.1, NM_001080114.2 and 2 more transcripts); short protein forms D179G.
Identifiers: ClinVar variation 201839 (VCV000201839.22), dbSNP rs794729058, ClinGen allele CA308603.